The following is an entry in ClinVar:

NM_172201.2(KCNE2):c.371G>C (p.Ter124Ser)

Genes: KCNE2 (potassium voltage-gated channel subfamily E regulatory subunit 2; plus strand), LOC105372791 (uncharacterized LOC105372791; minus strand). Cytogenetic location: 21q22.11.
Variant type: single nucleotide variant.
Coding change: c.371G>C on transcript NM_172201.2 (MANE Select); coding-DNA position 371, G replaced by C.
Protein change: p.Ter124Ser.
Molecular consequence: stop lost.
Genome position (GRCh38, 1-based): chr21:34,370,849, G>C. VCF-style: chr21-34370849-G-C. GRCh37 (hg19) VCF-style: chr21-35743148-G-C.
Other names: p.*124Sext1:TGA>TCA.
Identifiers: ClinVar variation 190796 (VCV000190796.2), dbSNP rs786205808, ClinGen allele CA301988.

ClinVar aggregate classification (germline): Uncertain significance (1 of 4 stars; one submission).

Submission:

GeneDx
Classification: Uncertain significance. Last evaluated: 2013-08-12. Review status: criteria provided, single submitter. Criteria: GeneDx Variant Classification (06012015). Collection method: clinical testing. Allele origin: germline. Affected: yes.
Comment: p.Stop124Serext1 (TGA>TCA): c.371 G>C in exon 2 of the KCNE2 gene (NM_172201.1). The c.371 G>C variant in the KCNE2 gene has not been reported as a disease-causing mutation or as a benign polymorphism, to our knowledge. The c.371 G>C variant was not observed in approximately 6,500 individuals of European and African American ancestry in the NHLBI Exome Sequencing Project, indicating it is not a common benign variant in these populations. c.371 G>C results a single base pair substitution changing a Stop codon (TGA) to a Serine codon (TCA), which extends the coding sequence by a single Serine. A mutation in a nearby residue (c.369_370delCT) has been reported in association with LQTS, however this published mutation extends the coding sequence by 15 amino acids. The variant is found in POSTMORTEM panel(s).